The following is an entry in ClinVar:

ClinVar aggregate classification (germline): Uncertain significance (1 of 4 stars; one submission).

gnomAD v4.1: 4 of 1,614,114 alleles (0.00025%); highest among the groups gnomAD compares: East Asian, 0.0022%; no homozygotes.

Submission:

CeGaT Center for Human Genetics Tuebingen
Classification: Uncertain significance. Last evaluated: 2026-03-01. Review status: criteria provided, single submitter. Criteria: CeGaT Center For Human Genetics Tuebingen Variant Classification Criteria Version 2. Collection method: clinical testing. Allele origin: germline. Affected: yes. Observed: 1 variant allele.
Comment: GJA8: PM2, PM5

NM_005267.5(GJA8):c.830A>G (p.His277Arg)

Gene: GJA8 (gap junction protein alpha 8; plus strand). Cytogenetic location: 1q21.2.
Variant type: single nucleotide variant.
Coding change: c.830A>G on transcript NM_005267.5 (MANE Select); coding-DNA position 830, A replaced by G.
Protein change: p.His277Arg; replaces histidine 277 with arginine.
Molecular consequence: missense variant.
Genome position (GRCh38, 1-based): chr1:147,908,785, A>G. VCF-style: chr1-147908785-A-G. GRCh37 (hg19) VCF-style: chr1-147380912-A-G.
Other names: short protein forms H277R.
Identifiers: ClinVar variation 4823429 (VCV004823429.4).